The following is an entry in ClinVar:

ClinVar aggregate classification (germline): Likely benign (1 of 4 stars; one submission).

Submission:

CeGaT Center for Human Genetics Tuebingen
Classification: Likely benign. Last evaluated: 2022-07-01. Review status: criteria provided, single submitter. Criteria: CeGaT Center For Human Genetics Tuebingen Variant Classification Criteria Version 2. Collection method: clinical testing. Allele origin: germline. Affected: yes. Observed: 1 variant allele.
Comment: ZNF142: PM2:Supporting, BP4, BP7

NM_001379659.1(ZNF142):c.210A>G (p.Pro70=)

Gene: ZNF142 (zinc finger protein 142; minus strand). Cytogenetic location: 2q35.
Variant type: single nucleotide variant.
Coding change: c.210A>G on transcript NM_001379659.1 (MANE Select); coding-DNA position 210, A replaced by G.
Protein change: p.Pro70=; no amino-acid change (proline 70 retained).
Molecular consequence: synonymous variant.
Genome position (GRCh38, 1-based): chr2:218,656,220, T>C on the plus strand (A>G on the coding strand, the complement: ZNF142 is on the minus strand). VCF-style: chr2-218656220-T-C. GRCh37 (hg19) VCF-style: chr2-219520943-T-C.
Other names: c.210A>G, p.Pro70= (NM_001105537.5, NM_001366290.3, NM_001366291.3 and 7 more transcripts); c.-402A>G (NM_001366287.3, NM_001366288.3, NM_001366289.3).
Identifiers: ClinVar variation 2651896 (VCV002651896.24), dbSNP rs2469789733, ClinGen allele CA431411961.